The following is an entry in ClinVar:

ClinVar aggregate classification (germline): Pathogenic/Likely pathogenic. Review status: criteria provided, multiple submitters, no conflicts (2 of 4 stars). 9 submissions from 9 submitters: Pathogenic (5); Likely pathogenic (3). 1 of the submissions does not count toward it. Last evaluated 2026-06-23.

Conditions:
FGFR3-related chondrodysplasia. Identifiers: Orphanet 93420, MedGen C5681604, MONDO:0019685.
Achondroplasia (ACH). Also called: Achondroplastic dwarfism. Identifiers: Orphanet 15, MedGen C0001080, MONDO:0007037, OMIM 100800. Disease mechanism: gain of function.
Thanatophoric dysplasia type 1 (TD1). Also called: PLATYSPONDYLIC LETHAL SKELETAL DYSPLASIA, SAN DIEGO TYPE; Thanatophoric Dysplasia Type 1 (TD Type 1); LETHAL SHORT-LIMBED PLATYSPONDYLIC DWARFISM, SAN DIEGO TYPE. Identifiers: Orphanet 1860, Orphanet 2655, MedGen C1868678, MONDO:0008546, OMIM 187600. Disease mechanism: gain of function.
FGFR3-related disorder. Also called: FGFR3-related disorders.

Submissions (9):

Genomenon, Inc
Classification: Pathogenic for FGFR3-related chondrodysplasia. Last evaluated: 2026-06-23. Review status: criteria provided, single submitter. Criteria: Genomenon Sequence Variant Interpretation Standards - Updated. Collection method: curation. Allele origin: germline. Affected: yes.
Comment: FGFR3 p.Ter807TrpextTer101 (c.2421A>G) is a stop-loss variant that results in a C-terminal protein extension. This variant has been observed in at least one proband with an FGFR3-related disorder (PMID:21671381;19215249;25614871). A de novo occurrence of this variant has been observed in at least one affected individual (PMID:21671381). It is absent or not present at a significant frequency in gnomAD. Other cDNA changes resulting in a similar C-terminal extension have been determined to be pathogenic. In conclusion, we classify FGFR3 p.Ter807TrpextTer101 (c.2421A>G) as a pathogenic variant.

Genomic Medicine Center of Excellence, King Faisal Specialist Hospital and Research Centre
Classification: Likely pathogenic for Achondroplasia. Last evaluated: 2024-09-22. Review status: criteria provided, single submitter. Criteria: ACMG Guidelines, 2015. Collection method: clinical testing. Allele origin: germline.

GeneDx
Classification: Pathogenic. Last evaluated: 2024-06-13. Review status: criteria provided, single submitter. Criteria: GeneDx Variant Classification Process June 2021. Collection method: clinical testing. Allele origin: germline. Affected: yes.
Comment: Stop codon loss and change to a tryptophan codon, leading to protein extension and the addition of 101 amino acids at the C-terminus in a gene for which protein extension is a known mechanism of disease; Not observed at significant frequency in large population cohorts (gnomAD); This variant is associated with the following publications: (PMID: 10425034, 25728633, 25614871, 19215249, 17509076, 17320202, 34358384)

Labcorp Genetics (formerly Invitae), Labcorp
Classification: Pathogenic. Last evaluated: 2023-07-12. Review status: criteria provided, single submitter. Criteria: Invitae Variant Classification Sherloc (09022015). Collection method: clinical testing. Allele origin: germline.
Comment: For these reasons, this variant has been classified as Pathogenic. This variant results in an extension of the FGFR3 protein. Other variant(s) that result in a similarly extended protein product (p.*807Leuext*101) have been determined to be pathogenic (PMID: 10425034, 25728633; Invitae). This suggests that these extensions are likely to be disease-causing. ClinVar contains an entry for this variant (Variation ID: 65564). This variant is also known as p.X807Trp. This protein extension has been observed in individuals with thanatophoric dysplasia type I (PMID: 10425034, 25614871). This variant is not present in population databases (gnomAD no frequency). This sequence change disrupts the translational stop signal of the FGFR3 mRNA. It is expected to extend the length of the FGFR3 protein by 101 additional amino acid residues.

MGZ Medical Genetics Center
Classification: Likely pathogenic for Thanatophoric dysplasia type 1. Last evaluated: 2022-04-19. Review status: criteria provided, single submitter. Criteria: ACMG Guidelines, 2015. Collection method: clinical testing. Allele origin: germline. Affected: yes. Observed: 1 variant allele.
Comment: ACMG criteria applied: PS1, PM4, PM2_SUP

Blueprint Genetics
Classification: Pathogenic for FGFR3-related disorders. Last evaluated: 2019-10-07. Review status: criteria provided, single submitter. Criteria: ACMG Guidelines, 2015. Collection method: clinical testing. Allele origin: germline. Affected: yes. Observed: 2 variant alleles.

Johns Hopkins Genomics, Johns Hopkins University
Classification: Pathogenic for Thanatophoric dysplasia type 1. Last evaluated: 2019-04-05. Review status: criteria provided, single submitter. Criteria: ACMG Guidelines, 2015. Collection method: clinical testing. Allele origin: germline.
Comment: This FGFR3 variant is absent from large population datasets and has been identified in individuals with thanatophoric dysplasia type I (TD I). c.2421A>G (p.Ter807Trp) results in the elimination of a termination codon and subsequent protein elongation. The 141 amino acid residues resulting from the elimination for the termination codon contain a highly hydrophobic domain that is rich in cysteine, which is consistent with the known molecular mechanism for TD type I. We consider this variant pathogenic.

Juno Genomics, Hangzhou Juno Genomics, Inc
Classification: Likely pathogenic for Thanatophoric dysplasia type 1. Review status: criteria provided, single submitter. Criteria: ACMG Guidelines, 2015. Collection method: clinical testing. Allele origin: germline. Affected: yes.
Comment: Absent from controls (or at extremely low frequency if recessive) in Genome Aggregation Database.;De novo (both maternity and paternity confirmed) in a patient with the disease and no family history.;Protein length changes due to in-frame deletions/insertions in a non-repeat region or stop-loss variants.;The prevalence of the variant in affected individuals is significantly increased compared to the prevalence in controls.;Patient's phenotype or family history is highly specific for a disease with a single genetic etiology.

GeneReviews
No classification provided. Condition: Thanatophoric dysplasia type 1. Review status: no classification provided. Collection method: literature only. Allele origin: unknown. Not counted in ClinVar's aggregate classification.

Literature cited by the submitters: PubMed 17320202 (cited by Genomenon, Inc); PubMed 17507011 (cited by Genomenon, Inc); PubMed 10 (cited by Genomenon, Inc); PubMed 17509076 (cited by Genomenon, Inc and Johns Hopkins Genomics, Johns Hopkins University); PubMed 37875969 (cited by Genomenon, Inc); PubMed 34367232 (cited by Genomenon, Inc); PubMed 33942288 (cited by Genomenon, Inc); PubMed 31476288 (cited by Genomenon, Inc); PubMed 31299979 (cited by Genomenon, Inc); PubMed 21671381 (cited by Genomenon, Inc); PubMed 30692697 (cited by Genomenon, Inc); PubMed 29593476 (cited by Genomenon, Inc); PubMed 28254233 (cited by Genomenon, Inc); PubMed 8723101 (cited by Genomenon, Inc); PubMed 12210587 (cited by Genomenon, Inc); PubMed 12368206 (cited by Genomenon, Inc); PubMed 18923003 (cited by Genomenon, Inc); PubMed 19215249 (cited by Genomenon, Inc); PubMed 24863959 (cited by Genomenon, Inc); PubMed 25614871 (cited by Genomenon, Inc and Labcorp Genetics (formerly Invitae), Labcorp); PubMed 39357670 (cited by Genomenon, Inc); PubMed 25728633 (cited by Genomenon, Inc and Labcorp Genetics (formerly Invitae), Labcorp); PubMed 8845844 (cited by Genomenon, Inc); PubMed 30048571 (cited by Genomenon, Inc); PubMed 29542187 (cited by Genomenon, Inc); PubMed 16841094 (cited by Genomenon, Inc); PubMed 35793999 (cited by Genomenon, Inc); PubMed 34582081 (cited by Genomenon, Inc); PubMed 29068064 (cited by Genomenon, Inc); PubMed 9154000 (cited by Genomenon, Inc); PubMed 26003532 (cited by Genomenon, Inc); PubMed 27987249 (cited by Genomenon, Inc); PubMed 28249712 (cited by Genomenon, Inc); PubMed 9229114 (cited by Genomenon, Inc); PubMed 9076574 (cited by Genomenon, Inc); PubMed 19293680 (cited by Genomenon, Inc); PubMed 7573032 (cited by Genomenon, Inc); PubMed 14745970 (cited by Genomenon, Inc); PubMed 15769677 (cited by Genomenon, Inc); PubMed 9055906 (cited by Genomenon, Inc); PubMed 10425034 (cited by Genomenon, Inc and Labcorp Genetics (formerly Invitae), Labcorp); PubMed 10696568 (cited by Genomenon, Inc); PubMed 11181569 (cited by Genomenon, Inc); PubMed 11241532 (cited by Genomenon, Inc); PubMed 12357475 (cited by Genomenon, Inc); PubMed 17630040 (cited by Genomenon, Inc); PubMed 19066716 (cited by Genomenon, Inc); PubMed 19449430 (cited by Genomenon, Inc); PubMed 19752524 (cited by Genomenon, Inc); PubMed 22414243 (cited by Genomenon, Inc); PubMed 24075385 (cited by Genomenon, Inc); PubMed 25671245 (cited by Genomenon, Inc); PubMed 25800480 (cited by Genomenon, Inc); PubMed 14534538 (cited by Genomenon, Inc); PubMed 17103447 (cited by Genomenon, Inc); PubMed 9133360 (cited by Genomenon, Inc); PubMed 26224133 (cited by Genomenon, Inc); PubMed 22045636 (cited by Genomenon, Inc); PubMed 7647778 (cited by Genomenon, Inc and Johns Hopkins Genomics, Johns Hopkins University); PubMed 20301540 (cited by GeneReviews); NCBI Bookshelf NBK1366 (cited by GeneReviews).

NM_000142.5(FGFR3):c.2421A>G (p.Ter807Trp)

Gene: FGFR3 (fibroblast growth factor receptor 3; plus strand). Cytogenetic location: 4p16.3.
Variant type: single nucleotide variant.
Coding change: c.2421A>G on transcript NM_000142.5 (MANE Select); coding-DNA position 2421, A replaced by G.
Protein change: p.Ter807Trp.
Molecular consequence: stop lost. On other transcripts: missense variant (1), non-coding transcript variant (1).
Genome position (GRCh38, 1-based): chr4:1,807,262, A>G. VCF-style: chr4-1807262-A-G. GRCh37 (hg19) VCF-style: chr4-1808989-A-G.
Other names: *807delinsTrpArgA; *807W; *809W; *695W; *808W; c.2427A>G, p.Ter809Trp (NM_001163213.2); c.2424A>G, p.Ter808Trp (NM_001354809.2); c.2353A>G, p.Lys785Glu (NM_001354810.2); and 2 more; short protein forms K785E.
Identifiers: ClinVar variation 65564 (VCV000065564.23), dbSNP rs121913103, ClinGen allele CA344898.
Genomic context (GRCh38, chr4:1,807,262, plus strand): 5'-CGTGTTTGCCCACGACCTGCTGCCCCCGGCCCCACCCAGCAGTGGGGGCTCGCGGACGTG[A>G]AGGGCCACTGGTCCCCAACAATGTGAGGGGTCCCTAGCAGCCCACCCTGCTGCTGGTGCA-3'